The following is an entry in ClinVar:

NM_138459.5(NUS1):c.538C>G (p.Gln180Glu)

Gene: NUS1 (NUS1 dehydrodolichyl diphosphate synthase subunit; plus strand). Cytogenetic location: 6q22.1.
Variant type: single nucleotide variant.
Coding change: c.538C>G on transcript NM_138459.5 (MANE Select); coding-DNA position 538, C replaced by G.
Protein change: p.Gln180Glu; replaces glutamine 180 with glutamic acid.
Molecular consequence: missense variant.
Genome position (GRCh38, 1-based): chr6:117,693,164, C>G. VCF-style: chr6-117693164-C-G. GRCh37 (hg19) VCF-style: chr6-118014327-C-G.
Other names: c.538C>G (NM_138459.3); short protein forms Q180E.
Identifiers: ClinVar variation 1447874 (VCV001447874.7), dbSNP rs751210637, ClinGen allele CA3977119.

ClinVar aggregate classification (germline): Uncertain significance. Review status: criteria provided, multiple submitters, no conflicts (2 of 4 stars). 2 submissions from 2 submitters: Uncertain significance (2). Last evaluated 2025-05-11.

Conditions:
Inborn genetic diseases. Identifiers: MedGen C0950123, MeSH D030342.
Congenital disorder of glycosylation, type Iaa. Also called: Congenital disorder of glycosylation, type 1aa. Identifiers: MedGen C4310727, MONDO:0014904, OMIM 617082.

Allele frequency attached by ClinVar (database versions not stated): gnomAD exomes below 0.00001 and 0.00001; TOPMed 0.00001; gnomAD 0.00001; ExAC 0.00001.
gnomAD v4.1: 13 of 1,611,964 alleles (0.00081%); highest among the groups gnomAD compares: Non-Finnish European, 0.0011%; no homozygotes.

Submissions (2):

Labcorp Genetics (formerly Invitae), Labcorp
Classification: Uncertain significance for Congenital disorder of glycosylation, type Iaa. Last evaluated: 2025-05-11. Review status: criteria provided, single submitter. Criteria: Invitae Variant Classification Sherloc (09022015). Collection method: clinical testing. Allele origin: germline.
Comment: This sequence change replaces glutamine, which is neutral and polar, with glutamic acid, which is acidic and polar, at codon 180 of the NUS1 protein (p.Gln180Glu). This variant is present in population databases (rs751210637, gnomAD 0.0009%). This variant has not been reported in the literature in individuals affected with NUS1-related conditions. ClinVar contains an entry for this variant (Variation ID: 1447874). An algorithm developed to predict the effect of missense changes on protein structure and function (PolyPhen-2) suggests that this variant is likely to be tolerated. In summary, the available evidence is currently insufficient to determine the role of this variant in disease. Therefore, it has been classified as a Variant of Uncertain Significance.

Ambry Genetics
Classification: Uncertain significance for Inborn genetic diseases. Last evaluated: 2024-04-17. Review status: criteria provided, single submitter. Criteria: Ambry Variant Classification Scheme 2023. Collection method: clinical testing. Allele origin: germline.